The following is an entry in ClinVar:

ClinVar aggregate classification (germline): Uncertain significance (1 of 4 stars; one submission).

Submission:

Labcorp Genetics (formerly Invitae), Labcorp
Classification: Uncertain significance. Last evaluated: 2025-08-02. Review status: criteria provided, single submitter. Criteria: Invitae Variant Classification Sherloc (09022015). Collection method: clinical testing. Allele origin: germline.
Comment: This sequence change replaces histidine, which is basic and polar, with arginine, which is basic and polar, at codon 1486 of the HMCN1 protein (p.His1486Arg). This variant is present in population databases (rs754752456, gnomAD 0.0009%). This variant has not been reported in the literature in individuals affected with HMCN1-related conditions. An algorithm developed to predict the effect of missense changes on protein structure and function (PolyPhen-2) suggests that this variant is likely to be tolerated. In summary, the available evidence is currently insufficient to determine the role of this variant in disease. Therefore, it has been classified as a Variant of Uncertain Significance.

NM_031935.3(HMCN1):c.4457A>G (p.His1486Arg)

Gene: HMCN1 (hemicentin 1; plus strand). Cytogenetic location: 1q31.1.
Variant type: single nucleotide variant.
Coding change: c.4457A>G on transcript NM_031935.3 (MANE Select); coding-DNA position 4457, A replaced by G.
Protein change: p.His1486Arg; replaces histidine 1486 with arginine.
Molecular consequence: missense variant.
Genome position (GRCh38, 1-based): chr1:186,003,826, A>G. VCF-style: chr1-186003826-A-G. GRCh37 (hg19) VCF-style: chr1-185972958-A-G.
Other names: short protein forms H1486R.
Identifiers: ClinVar variation 4762789 (VCV004762789.1).